The following is an entry in ClinVar:

ClinVar aggregate classification (germline): Uncertain significance (0 of 4 stars; one submission).

Conditions:
DYNC2H1-related disorder. Also called: DYNC2H1-related condition; DYNC2H1-related disorders. Identifiers: MedGen CN378770.

Allele frequency attached by ClinVar (database versions not stated): gnomAD exomes 0.00001.
gnomAD v4.1: 7 of 1,584,848 alleles (0.00044%); highest among the groups gnomAD compares: South Asian, 0.0012%; no homozygotes.

Submission:

PreventionGenetics, part of Exact Sciences
Classification: Uncertain significance for DYNC2H1-related condition. Last evaluated: 2023-11-14. Review status: no assertion criteria provided. Collection method: clinical testing. Allele origin: germline.
Comment: The DYNC2H1 c.9558G>T variant is predicted to result in the amino acid substitution p.Trp3186Cys. To our knowledge, this variant has not been reported in the literature or in a large population database, indicating this variant is rare. This variant could be pathogenic. At this time, the clinical significance of this variant is uncertain due to the absence of conclusive functional and genetic evidence.

NM_001377.3(DYNC2H1):c.9558G>T (p.Trp3186Cys)

Gene: DYNC2H1 (dynein cytoplasmic 2 heavy chain 1; plus strand). Cytogenetic location: 11q22.3.
Variant type: single nucleotide variant.
Coding change: c.9558G>T on transcript NM_001377.3 (MANE Select); coding-DNA position 9558, G replaced by T.
Protein change: p.Trp3186Cys; replaces tryptophan 3186 with cysteine.
Molecular consequence: missense variant.
Genome position (GRCh38, 1-based): chr11:103,234,151, G>T. VCF-style: chr11-103234151-G-T. GRCh37 (hg19) VCF-style: chr11-103104880-G-T.
Other names: c.9558G>T, p.Trp3186Cys (NM_001080463.2); short protein forms W3186C.
Identifiers: ClinVar variation 3038797 (VCV003038797.2), dbSNP rs2496524856, ClinGen allele CA382240142.